The following is an entry in ClinVar:

NM_001164760.2(PRKAR1B):c.245T>G (p.Val82Gly)

Gene: PRKAR1B (protein kinase cAMP-dependent type I regulatory subunit beta; minus strand). Cytogenetic location: 7p22.3.
Variant type: single nucleotide variant.
Coding change: c.245T>G on transcript NM_001164760.2 (MANE Select); coding-DNA position 245, T replaced by G.
Protein change: p.Val82Gly; replaces valine 82 with glycine.
Molecular consequence: missense variant.
Genome position (GRCh38, 1-based): chr7:680,659, A>C on the plus strand (T>G on the coding strand, the complement: PRKAR1B is on the minus strand). VCF-style: chr7-680659-A-C. GRCh37 (hg19) VCF-style: chr7-720296-A-C.
Other names: c.245T>G, p.Val82Gly (NM_001164758.2, NM_001164759.1, NM_001164761.2 and 2 more transcripts); short protein forms V82G.
Identifiers: ClinVar variation 3902905 (VCV003902905.1).

ClinVar aggregate classification (germline): Uncertain significance (1 of 4 stars; one submission).

Submission:

GeneDx
Classification: Uncertain significance. Last evaluated: 2024-12-12. Review status: criteria provided, single submitter. Criteria: GeneDx Variant Classification Process June 2021. Collection method: clinical testing. Allele origin: germline. Affected: yes.
Comment: Not observed at significant frequency in large population cohorts (gnomAD); In silico analysis supports that this missense variant has a deleterious effect on protein structure/function; Has not been previously published as pathogenic or benign to our knowledge